The following is an entry in ClinVar:

NM_001876.4(CPT1A):c.-49T>C

Genes: CPT1A (carnitine palmitoyltransferase 1A; minus strand), LOC130006268 (ATAC-STARR-seq lymphoblastoid silent region 3684; plus strand). Cytogenetic location: 11q13.3.
Variant type: single nucleotide variant.
Coding change: c.-49T>C on transcript NM_001876.4 (MANE Select); 49 bases upstream of the start codon, T replaced by C.
Molecular consequence: 5 prime UTR variant.
Genome position (GRCh38, 1-based): chr11:68,841,810, A>G on the plus strand (T>C on the coding strand, the complement: CPT1A is on the minus strand). VCF-style: chr11-68841810-A-G. GRCh37 (hg19) VCF-style: chr11-68609278-A-G.
Other names: c.-49T>C (NM_001031847.3).
Identifiers: ClinVar variation 514005 (VCV000514005.1), dbSNP rs1000188907, ClinGen allele CA223386631.

ClinVar aggregate classification (germline): Likely benign (1 of 4 stars; one submission).

Allele frequency attached by ClinVar (database versions not stated): gnomAD 0.00183 and 0.00186; TOPMed 0.00219.
gnomAD v4.1: 826 of 993,494 alleles (0.083%); highest among the groups gnomAD compares: African/African-American, 0.57%; 2 homozygotes.

Submission:

GeneDx
Classification: Likely benign. Last evaluated: 2018-01-02. Review status: criteria provided, single submitter. Criteria: GeneDx Variant Classification (06012015). Collection method: clinical testing. Allele origin: germline. Affected: yes.
Comment: This variant is considered likely benign or benign based on one or more of the following criteria: it is a conservative change, it occurs at a poorly conserved position in the protein, it is predicted to be benign by multiple in silico algorithms, and/or has population frequency not consistent with disease.